The following is an entry in ClinVar:

ClinVar aggregate classification (germline): Pathogenic/Likely pathogenic. Review status: criteria provided, multiple submitters, no conflicts (2 of 4 stars). 7 submissions from 7 submitters: Pathogenic (2); Likely pathogenic (5). Last evaluated 2026-01-06.

Conditions:
Joubert syndrome. Also called: Familial aplasia of the vermis; JOUBERT-BOLTSHAUSER SYNDROME. Identifiers: Orphanet 475, MedGen C5979921, MONDO:0018772.
AHI1-related disorder. Also called: AHI1-related condition.
Joubert syndrome and related disorders. Identifiers: Orphanet 140874, MedGen C5679612, MONDO:0015369.
Joubert syndrome 3 (JBTS3). Also called: AHI1-related Ciliopathy. Identifiers: Orphanet 220493, MedGen C1837713, MONDO:0012078, OMIM 608629.

Allele frequency attached by ClinVar (database versions not stated): TOPMed below 0.00001; gnomAD 0.00001.
gnomAD v4.1: 28 of 1,612,728 alleles (0.0017%); highest among the groups gnomAD compares: East Asian, 0.029%; no homozygotes.

Submissions (7):

Labcorp Genetics (formerly Invitae), Labcorp
Classification: Pathogenic for Joubert syndrome. Last evaluated: 2026-01-06. Review status: criteria provided, single submitter. Criteria: Invitae Variant Classification Sherloc (09022015). Collection method: clinical testing. Allele origin: germline.
Comment: This sequence change replaces threonine, which is neutral and polar, with methionine, which is neutral and non-polar, at codon 702 of the AHI1 protein (p.Thr702Met). This variant is present in population databases (rs756276537, gnomAD 0.02%). This missense change has been observed in individual(s) with clinical features of Joubert syndrome (PMID: 28431631, 34627237; internal data). In at least one individual the data is consistent with being in trans (on the opposite chromosome) from a pathogenic variant. ClinVar contains an entry for this variant (Variation ID: 568060). Invitae Evidence Modeling of protein sequence and biophysical properties (such as structural, functional, and spatial information, amino acid conservation, physicochemical variation, residue mobility, and thermodynamic stability) has been performed for this missense variant. However, the output from this modeling did not meet the statistical confidence thresholds required to predict the impact of this variant on AHI1 protein function. For these reasons, this variant has been classified as Pathogenic.

Daryl Scott Lab, Baylor College of Medicine
Classification: Likely pathogenic for Joubert syndrome 3. Last evaluated: 2025-08-25. Review status: criteria provided, single submitter. Criteria: ACMG Guidelines, 2015. Collection method: clinical testing. Allele origin: paternal. Affected: yes. Observed: 1 compound heterozygote.
Comment: PS4, PM2, PM3, PP3

GeneDx
Classification: Likely pathogenic. Last evaluated: 2025-07-22. Review status: criteria provided, single submitter. Criteria: GeneDx Variant Classification Process June 2021. Collection method: clinical testing. Allele origin: germline.
Comment: Observed in several individuals with a pathogenic variant in unrelated patients with Joubert syndrome in published literature, but it is not known whether the variants occurred on the same (in cis) or on different (in trans) chromosomes these cases (PMID: 28431631, 28497568); In silico analysis supports that this missense variant has a deleterious effect on protein structure/function; This variant is associated with the following publications: (PMID: 27493482, 28497568, 28125082, 27434533, 30464253, 34627237, 15467982, 36284460, 28431631)

Blueprint Genetics
Classification: Pathogenic for AHI1-related disorders. Last evaluated: 2024-04-29. Review status: criteria provided, single submitter. Criteria: ACMG Guidelines, 2015. Collection method: clinical testing. Allele origin: germline. Affected: yes. Observed: 4 variant alleles.

Fulgent Genetics
Classification: Likely pathogenic for Joubert syndrome 3. Last evaluated: 2024-04-20. Review status: criteria provided, single submitter. Criteria: ACMG Guidelines, 2015. Collection method: clinical testing. Allele origin: germline.

Women's Health and Genetics/Laboratory Corporation of America, LabCorp
Classification: Likely pathogenic for Joubert syndrome and related disorders. Last evaluated: 2022-09-02. Review status: criteria provided, single submitter. Criteria: LabCorp Variant Classification Summary - May 2015. Collection method: clinical testing. Allele origin: germline.
Comment: Variant summary: AHI1 c.2105C>T (p.Thr702Met) results in a non-conservative amino acid change located in the WD40/YVTN repeat-like-containing domain (IPR015943) of the encoded protein sequence. Four of five in-silico tools predict a damaging effect of the variant on protein function. The variant allele was found at a frequency of 2.4e-05 in 248760 control chromosomes (gnomAD). c.2105C>T has been reported in the literature in individuals affected with Joubert Syndrome And Related Disorders (examples: Suzuki_2016, Vilboux_2017, Enokizono_2017, Summers_2017 and Chen_2021). These data indicate that the variant is likely to be associated with disease. To our knowledge, no experimental evidence demonstrating an impact on protein function has been reported. One clinical diagnostic laboratory has submitted clinical-significance assessments for this variant to ClinVar after 2014 and classified the variant as likely pathogenic. Based on the evidence outlined above, the variant was classified as likely pathogenic.

Juno Genomics, Hangzhou Juno Genomics, Inc
Classification: Likely pathogenic for Joubert syndrome 3. Review status: criteria provided, single submitter. Criteria: ACMG Guidelines, 2015. Collection method: clinical testing. Allele origin: germline.
Comment: Absent from controls (or at extremely low frequency if recessive) in Genome Aggregation Database.;For recessive disorders, detected in trans with a pathogenic variant.;Patient's phenotype or family history is highly specific for a disease with a single genetic etiology.

Literature cited by the submitters: PubMed 28431631 (cited by Labcorp Genetics (formerly Invitae), Labcorp and Women's Health and Genetics/Laboratory Corporation of America, LabCorp); PubMed 34627237 (cited by Labcorp Genetics (formerly Invitae), Labcorp and Women's Health and Genetics/Laboratory Corporation of America, LabCorp); PubMed 28497568 (cited by Women's Health and Genetics/Laboratory Corporation of America, LabCorp); PubMed 28125082 (cited by Women's Health and Genetics/Laboratory Corporation of America, LabCorp); PubMed 27434533 (cited by Women's Health and Genetics/Laboratory Corporation of America, LabCorp).

NM_001134831.2(AHI1):c.2105C>T (p.Thr702Met)

Gene: AHI1 (Abelson helper integration site 1; minus strand). Cytogenetic location: 6q23.3.
Variant type: single nucleotide variant.
Coding change: c.2105C>T on transcript NM_001134831.2 (MANE Select); coding-DNA position 2105, C replaced by T.
Protein change: p.Thr702Met; replaces threonine 702 with methionine.
Molecular consequence: missense variant.
Genome position (GRCh38, 1-based): chr6:135,433,188, G>A on the plus strand (C>T on the coding strand, the complement: AHI1 is on the minus strand). VCF-style: chr6-135433188-G-A. GRCh37 (hg19) VCF-style: chr6-135754326-G-A.
Other names: c.2105C>T, p.Thr702Met (NM_001134830.2, NM_001134832.2, NM_001350503.2 and 2 more transcripts); short protein forms T702M.
Identifiers: ClinVar variation 568060 (VCV000568060.17), dbSNP rs756276537, ClinGen allele CA4012440.